The following is an entry in ClinVar:

NM_000169.3(GLA):c.285G>A (p.Trp95Ter)

Genes: GLA (galactosidase alpha; minus strand), RPL36A-HNRNPH2 (RPL36A-HNRNPH2 readthrough; plus strand). Cytogenetic location: Xq22.1.
Variant type: single nucleotide variant.
Coding change: c.285G>A on transcript NM_000169.3 (MANE Select); coding-DNA position 285, G replaced by A.
Protein change: p.Trp95Ter; replaces tryptophan 95 with a stop codon.
Molecular consequence: nonsense. On other transcripts: non-coding transcript variant (3), intron variant (2).
Genome position (GRCh38, 1-based): chrX:101,403,895, C>T on the plus strand (G>A on the coding strand, the complement: GLA is on the minus strand). VCF-style: chrX-101403895-C-T. GRCh37 (hg19) VCF-style: chrX-100658883-C-T.
Other names: c.408G>A, p.Trp136Ter (NM_001406747.1, NM_001406749.1); c.285G>A, p.Trp95Ter (NM_001406748.1); c.301-8041C>T (NM_001199973.2); c.178-8041C>T (NM_001199974.2); short protein forms W95*, W136*.
Identifiers: ClinVar variation 290243 (VCV000290243.6), dbSNP rs886044900, ClinGen allele CA10606705.

ClinVar aggregate classification (germline): Pathogenic. Review status: criteria provided, multiple submitters, no conflicts (2 of 4 stars). 2 submissions from 2 submitters: Pathogenic (2). Last evaluated 2024-05-08.

Conditions:
Fabry disease. Also called: Fabry's disease; GLA DEFICIENCY; HEREDITARY DYSTOPIC LIPIDOSIS; ALPHA-GALACTOSIDASE A DEFICIENCY; ANDERSON-FABRY DISEASE; CERAMIDE TRIHEXOSIDASE DEFICIENCY. Identifiers: Orphanet 324, MedGen C0002986, MONDO:0010526, OMIM 301500, HP:0001071. Disease mechanism: Fabry disease is due to inactivating mutations in the X-linked GLA gene resulting in deficiency of the enzyme Alpha Galactosidase-A., loss of function.

Submissions (2):

Myriad Genetics, Inc.
Classification: Pathogenic for Fabry disease. Last evaluated: 2024-05-08. Review status: criteria provided, single submitter. Criteria: Myriad Autosomal Dominant, Autosomal Recessive and X-Linked Classification Criteria (2023). Collection method: clinical testing. Allele origin: unknown.
Comment: NM_000169.2(GLA):c.285G>A(W95*) is expected to be pathogenic in the context of Fabry disease. This variant is predicted to lead to an abnormal or absent protein product due to the creation of a premature termination codon in GLA, a gene where loss-of-function variants are known to be pathogenic. Please note: this variant was assessed in the context of healthy population screening.

Eurofins Ntd Llc (ga)
Classification: Pathogenic. Last evaluated: 2016-08-09. Review status: criteria provided, single submitter. Criteria: EGL Classification Definitions 2015. Collection method: clinical testing. Allele origin: germline.